The following is an entry in ClinVar:

ClinVar aggregate classification (germline): Likely benign. Review status: criteria provided, multiple submitters, no conflicts (2 of 4 stars). 4 submissions from 4 submitters: Likely benign (4). Last evaluated 2026-03-06.

Conditions:
SACS-related disorder. Also called: SACS-related condition.
Spastic paraplegia. Identifiers: MedGen C0037772, HP:0001258.

Allele frequency attached by ClinVar (database versions not stated): ExAC 0.00008; gnomAD exomes 0.00008 and 0.00020; gnomAD 0.00011; TOPMed 0.00011.
gnomAD v4.1: 311 of 1,613,810 alleles (0.019%); highest among the groups gnomAD compares: Middle Eastern, 0.033%; 2 homozygotes.

Submissions (4):

PreventionGenetics, part of Exact Sciences
Classification: Likely benign for SACS-related condition. Last evaluated: 2026-03-06. Review status: criteria provided, single submitter. Criteria: ACMG Guidelines, 2015. Collection method: clinical testing. Allele origin: germline.
Comment: This variant is classified as likely benign based on ACMG/AMP sequence variant interpretation guidelines (Richards et al. 2015 PMID: 25741868, with internal and published modifications).

Labcorp Genetics (formerly Invitae), Labcorp
Classification: Likely benign for Spastic paraplegia. Last evaluated: 2026-01-27. Review status: criteria provided, single submitter. Criteria: Invitae Variant Classification Sherloc (09022015). Collection method: clinical testing. Allele origin: germline.

Women's Health and Genetics/Laboratory Corporation of America, LabCorp
Classification: Likely benign. Last evaluated: 2025-10-06. Review status: criteria provided, single submitter. Criteria: LabCorp Variant Classification Summary - May 2015. Collection method: clinical testing. Allele origin: germline.

Mayo Clinic Laboratories, Mayo Clinic
Classification: Likely benign. Last evaluated: 2025-01-28. Review status: criteria provided, single submitter. Criteria: ACMG Guidelines, 2015. Collection method: clinical testing. Allele origin: germline. Observed: 2 variant alleles.
Comment: BP4, BP7

NM_014363.6(SACS):c.591C>T (p.Val197=)

Gene: SACS (sacsin molecular chaperone; minus strand). Cytogenetic location: 13q12.12.
Variant type: single nucleotide variant.
Coding change: c.591C>T on transcript NM_014363.6 (MANE Select); coding-DNA position 591, C replaced by T.
Protein change: p.Val197=; no amino-acid change (valine 197 retained).
Molecular consequence: synonymous variant.
Genome position (GRCh38, 1-based): chr13:23,358,348, G>A on the plus strand (C>T on the coding strand, the complement: SACS is on the minus strand). VCF-style: chr13-23358348-G-A. GRCh37 (hg19) VCF-style: chr13-23932487-G-A.
Other names: p.Val197=; c.150C>T, p.Val50= (NM_001278055.2).
Identifiers: ClinVar variation 458267 (VCV000458267.14), dbSNP rs750923640, ClinGen allele CA6912055.
Genomic context (GRCh38, chr13:23,358,348, plus strand): 5'-AGATATAATATTTTCTAATACCAAGACCGAAAAGCCTAATACTCTACCTGTTATATGATA[G>A]ACAGAATTAAACCCAATTCCAAATCTTCCGACCTTCAGAGGATCATCCTTTTTCCTGCTT-3'
Protein context (NP_055178.3, residues 187-207): VGRFGIGFNS[Val197=]YHITDVPCIF